The following is an entry in ClinVar:

NM_000088.4(COL1A1):c.3981C>T (p.Gly1327=)

Gene: COL1A1 (collagen type I alpha 1 chain; minus strand). Cytogenetic location: 17q21.33.
Variant type: single nucleotide variant.
Coding change: c.3981C>T on transcript NM_000088.4 (MANE Select); coding-DNA position 3981, C replaced by T.
Protein change: p.Gly1327=; no amino-acid change (glycine 1327 retained).
Molecular consequence: synonymous variant.
Genome position (GRCh38, 1-based): chr17:50,186,341, G>A on the plus strand (C>T on the coding strand, the complement: COL1A1 is on the minus strand). VCF-style: chr17-50186341-G-A. GRCh37 (hg19) VCF-style: chr17-48263702-G-A.
Identifiers: ClinVar variation 2178813 (VCV002178813.6), dbSNP rs369742817, ClinGen allele CA291542844.

ClinVar aggregate classification (germline): Conflicting classifications of pathogenicity. Review status: criteria provided, conflicting classifications (1 of 4 stars). 2 submissions from 2 submitters: Uncertain significance (1); Likely benign (1). Last evaluated 2022-12-27.

Conditions:
Cardiovascular phenotype. Identifiers: MedGen CN230736.
Osteogenesis imperfecta type I (OI1). Also called: OI, TYPE I; OSTEOGENESIS IMPERFECTA TARDA; OSTEOGENESIS IMPERFECTA WITH BLUE SCLERAE; Osteogenesis imperfecta type 1; Lobstein's Disease; Lobstein disease. Identifiers: Orphanet 216796, Orphanet 666, MedGen C0023931, MONDO:0008146, OMIM 166200. Disease mechanism: loss of function.

Allele frequency attached by ClinVar (database versions not stated): gnomAD 0.00001; gnomAD exomes 0.00001; ESP Exome Variant Server 0.00008.
gnomAD v4.1: 14 of 1,614,096 alleles (0.00087%); highest among the groups gnomAD compares: African/African-American, 0.0013%; no homozygotes.

Submissions (2):

Ambry Genetics
Classification: Uncertain significance for Cardiovascular phenotype. Last evaluated: 2022-12-27. Review status: criteria provided, single submitter. Criteria: Ambry Variant Classification Scheme 2023. Collection method: clinical testing. Allele origin: germline.
Comment: The c.3981C>T variant (also known as p.G1327G), located in coding exon 49 of the COL1A1 gene, results from a C to T substitution at nucleotide position 3981. This nucleotide substitution does not change the glycine at codon 1327. This nucleotide position is not well conserved in available vertebrate species. In silico splice site analysis for this alteration is inconclusive. Since supporting evidence is limited at this time, the clinical significance of this alteration remains unclear.

Labcorp Genetics (formerly Invitae), Labcorp
Classification: Likely benign for Osteogenesis imperfecta type I. Last evaluated: 2022-05-23. Review status: criteria provided, single submitter. Criteria: Invitae Variant Classification Sherloc (09022015). Collection method: clinical testing. Allele origin: germline.